The following is an entry in ClinVar:

ClinVar aggregate classification (germline): Conflicting classifications of pathogenicity. Review status: criteria provided, conflicting classifications (1 of 4 stars). 2 submissions from 2 submitters: Uncertain significance (1); Likely benign (1). Last evaluated 2022-08-03.

Conditions:
Marshall syndrome (MRSHS). Identifiers: Orphanet 560, MedGen C0265235, MONDO:0007949, OMIM 154780.

Allele frequency attached by ClinVar (database versions not stated): gnomAD exomes 0.00003.

Submissions (2):

Blueprint Genetics
Classification: Likely benign. Last evaluated: 2022-08-03. Review status: criteria provided, single submitter. Criteria: ACMG Guidelines, 2015. Collection method: clinical testing. Allele origin: germline.

Centre for Mendelian Genomics, University Medical Centre Ljubljana
Classification: Uncertain significance for Marshall syndrome. Last evaluated: 2019-05-09. Review status: criteria provided, single submitter. Criteria: ACMG Guidelines, 2015. Collection method: clinical testing. Allele origin: unknown. Affected: yes.
Comment: This variant was classified as: Uncertain significance. The available evidence on this variant's pathogenicity is insufficient or conflicting. The following ACMG criteria were applied in classifying this variant: BP4.

NM_001854.4(COL11A1):c.3817-10C>A

Gene: COL11A1 (collagen type XI alpha 1 chain; minus strand). Cytogenetic location: 1p21.1.
Variant type: single nucleotide variant.
Coding change: c.3817-10C>A on transcript NM_001854.4 (MANE Select); 10 bases into the intron before coding-DNA position 3817, C replaced by A.
Molecular consequence: intron variant.
Genome position (GRCh38, 1-based): chr1:102,914,821, G>T on the plus strand (C>A on the coding strand, the complement: COL11A1 is on the minus strand). VCF-style: chr1-102914821-G-T. GRCh37 (hg19) VCF-style: chr1-103380377-G-T.
Other names: c.3700-10C>A (NM_001190709.2); c.3853-10C>A (NM_080629.3); c.3469-10C>A (NM_080630.4).
Identifiers: ClinVar variation 932033 (VCV000932033.4), dbSNP rs776718424, ClinGen allele CA524885387.